The following is an entry in ClinVar:

ClinVar aggregate classification (germline): Uncertain significance. Review status: criteria provided, multiple submitters, no conflicts (2 of 4 stars). 3 submissions from 3 submitters: Uncertain significance (3). Last evaluated 2023-07-30.

Conditions:
Developmental and epileptic encephalopathy, 31A. Also called: Epileptic encephalopathy, early infantile, 31; Developmental and epileptic encephalopathy, 31. Identifiers: Orphanet 2382, MedGen C4225357, MONDO:0014598, OMIM 616346.
Developmental and epileptic encephalopathy, 31B. Also called: Developmental and epileptic encephalopathy 31B, autosomal recessive. Identifiers: MedGen C5830459, MONDO:0957248, OMIM 620352.

Allele frequency attached by ClinVar (database versions not stated): gnomAD exomes below 0.00001; gnomAD 0.00001; TOPMed 0.00003.
gnomAD v4.1: 8 of 1,613,996 alleles (0.0005%); highest among the groups gnomAD compares: Middle Eastern, 0.016%; no homozygotes.

Submissions (3):

Labcorp Genetics (formerly Invitae), Labcorp
Classification: Uncertain significance for Developmental and epileptic encephalopathy, 31A. Last evaluated: 2023-07-30. Review status: criteria provided, single submitter. Criteria: Invitae Variant Classification Sherloc (09022015). Collection method: clinical testing. Allele origin: germline.
Comment: This variant is present in population databases (no rsID available, gnomAD 0.0009%). This sequence change replaces arginine, which is basic and polar, with cysteine, which is neutral and slightly polar, at codon 318 of the DNM1 protein (p.Arg318Cys). ClinVar contains an entry for this variant (Variation ID: 1312470). This variant has not been reported in the literature in individuals affected with DNM1-related conditions. In summary, the available evidence is currently insufficient to determine the role of this variant in disease. Therefore, it has been classified as a Variant of Uncertain Significance. Advanced modeling of protein sequence and biophysical properties (such as structural, functional, and spatial information, amino acid conservation, physicochemical variation, residue mobility, and thermodynamic stability) performed at Invitae indicates that this missense variant is expected to disrupt DNM1 protein function.

GeneDx
Classification: Uncertain significance. Last evaluated: 2019-09-25. Review status: criteria provided, single submitter. Criteria: GeneDx Variant Classification Process June 2021. Collection method: clinical testing. Allele origin: germline. Affected: yes.
Comment: In silico analysis, which includes protein predictors and evolutionary conservation, supports a deleterious effect; Has not been previously published as pathogenic or benign to our knowledge

Juno Genomics, Hangzhou Juno Genomics, Inc
Classification: Uncertain significance for Developmental and epileptic encephalopathy, 31A; Developmental and epileptic encephalopathy, 31B. Review status: criteria provided, single submitter. Criteria: ACMG Guidelines, 2015. Collection method: clinical testing. Allele origin: germline.
Comment: Absent from controls (or at extremely low frequency if recessive) in Genome Aggregation Database.;Missense variant in a gene that has a low rate of benign missense variation.

NM_004408.4(DNM1):c.952C>T (p.Arg318Cys)

Gene: DNM1 (dynamin 1; plus strand). Cytogenetic location: 9q34.11.
Variant type: single nucleotide variant.
Coding change: c.952C>T on transcript NM_004408.4 (MANE Select); coding-DNA position 952, C replaced by T.
Protein change: p.Arg318Cys; replaces arginine 318 with cysteine.
Molecular consequence: missense variant.
Genome position (GRCh38, 1-based): chr9:128,222,299, C>T. VCF-style: chr9-128222299-C-T. GRCh37 (hg19) VCF-style: chr9-130984578-C-T.
Other names: c.952C>T, p.Arg318Cys (NM_001288739.2, NM_001374269.1, NM_001005336.3 and 2 more transcripts); short protein forms R318C.
Identifiers: ClinVar variation 1312470 (VCV001312470.7), dbSNP rs892194903, ClinGen allele CA200349788.